The following is an entry in ClinVar:

NM_002381.5(MATN3):c.1290T>G (p.Cys430Trp)

Genes: MATN3 (matrilin 3; minus strand), WDR35-DT (WDR35 divergent transcript; plus strand). Cytogenetic location: 2p24.1.
Variant type: single nucleotide variant.
Coding change: c.1290T>G on transcript NM_002381.5 (MANE Select); coding-DNA position 1290, T replaced by G.
Protein change: p.Cys430Trp; replaces cysteine 430 with tryptophan.
Molecular consequence: missense variant.
Genome position (GRCh38, 1-based): chr2:19,997,138, A>C on the plus strand (T>G on the coding strand, the complement: MATN3 is on the minus strand). VCF-style: chr2-19997138-A-C. GRCh37 (hg19) VCF-style: chr2-20196899-A-C.
Other names: short protein forms C430W.
Identifiers: ClinVar variation 1353810 (VCV001353810.8), dbSNP rs749669494, ClinGen allele CA345949170.

ClinVar aggregate classification (germline): Uncertain significance (1 of 4 stars; one submission).

Allele frequency attached by ClinVar (database versions not stated): gnomAD 0.00001; TOPMed below 0.00001.
gnomAD v4.1: 5 of 1,613,628 alleles (0.00031%); highest among the groups gnomAD compares: Admixed American, 0.0083%; no homozygotes.

Submission:

Labcorp Genetics (formerly Invitae), Labcorp
Classification: Uncertain significance. Last evaluated: 2022-08-09. Review status: criteria provided, single submitter. Criteria: Invitae Variant Classification Sherloc (09022015). Collection method: clinical testing. Allele origin: germline.
Comment: In summary, the available evidence is currently insufficient to determine the role of this variant in disease. Therefore, it has been classified as a Variant of Uncertain Significance. Algorithms developed to predict the effect of sequence changes on RNA splicing suggest that this variant may disrupt the consensus splice site. This sequence change replaces cysteine, which is neutral and slightly polar, with tryptophan, which is neutral and slightly polar, at codon 430 of the MATN3 protein (p.Cys430Trp). This variant is present in population databases (no rsID available, gnomAD 0.003%). This variant has not been reported in the literature in individuals affected with MATN3-related conditions. ClinVar contains an entry for this variant (Variation ID: 1353810). Algorithms developed to predict the effect of missense changes on protein structure and function are either unavailable or do not agree on the potential impact of this missense change (SIFT: "Deleterious"; PolyPhen-2: "Probably Damaging"; Align-GVGD: "Class C15").